The following is an entry in ClinVar:

NM_001379200.1(TBX1):c.1309G>T (p.Gly437Trp)

Gene: TBX1 (T-box transcription factor 1; plus strand). Cytogenetic location: 22q11.21.
Variant type: single nucleotide variant.
Coding change: c.1309G>T on transcript NM_001379200.1 (MANE Select); coding-DNA position 1309, G replaced by T.
Protein change: p.Gly437Trp; replaces glycine 437 with tryptophan.
Molecular consequence: missense variant. On other transcripts: intron variant (2).
Genome position (GRCh38, 1-based): chr22:19,766,661, G>T. VCF-style: chr22-19766661-G-T. GRCh37 (hg19) VCF-style: chr22-19754184-G-T.
Other names: c.1282G>T, p.Gly428Trp (NM_080647.1); c.1009+659G>T (NM_005992.1, NM_080646.2); short protein forms G428W, G437W.
Identifiers: ClinVar variation 2844647 (VCV002844647.6), dbSNP rs1458962515, ClinGen allele CA410684937.

ClinVar aggregate classification (germline): Uncertain significance. Review status: criteria provided, multiple submitters, no conflicts (2 of 4 stars). 3 submissions from 3 submitters: Uncertain significance (3). Last evaluated 2025-05-04.

Conditions:
DiGeorge syndrome. Also called: Catch22; THIRD AND FOURTH PHARYNGEAL POUCH SYNDROME. Identifiers: Orphanet 567, MedGen C0012236, MONDO:0008564, OMIM 188400.
Cardiovascular phenotype. Identifiers: MedGen CN230736.

Allele frequency attached by ClinVar (database versions not stated): gnomAD 0.00003.
gnomAD v4.1: 32 of 1,551,836 alleles (0.0021%); highest among the groups gnomAD compares: African/African-American, 0.0028%; no homozygotes.

Submissions (3):

Ambry Genetics
Classification: Uncertain significance for Cardiovascular phenotype. Last evaluated: 2025-05-04. Review status: criteria provided, single submitter. Criteria: Ambry Variant Classification Scheme 2023. Collection method: clinical testing. Allele origin: germline.

GeneDx
Classification: Uncertain significance. Last evaluated: 2025-03-14. Review status: criteria provided, single submitter. Criteria: GeneDx Variant Classification Process June 2021. Collection method: clinical testing. Allele origin: germline. Affected: yes.
Comment: Not observed at significant frequency in large population cohorts (gnomAD); In silico analysis indicates that this missense variant does not alter protein structure/function; Has not been previously published as pathogenic or benign to our knowledge

Labcorp Genetics (formerly Invitae), Labcorp
Classification: Uncertain significance for DiGeorge syndrome. Last evaluated: 2025-01-08. Review status: criteria provided, single submitter. Criteria: Invitae Variant Classification Sherloc (09022015). Collection method: clinical testing. Allele origin: germline.
Comment: This sequence change replaces glycine, which is neutral and non-polar, with tryptophan, which is neutral and slightly polar, at codon 428 of the TBX1 protein (p.Gly428Trp). The frequency data for this variant in the population databases is considered unreliable, as metrics indicate poor data quality at this position in the gnomAD database. This variant has not been reported in the literature in individuals affected with TBX1-related conditions. ClinVar contains an entry for this variant (Variation ID: 2844647). An algorithm developed to predict the effect of missense changes on protein structure and function (PolyPhen-2) suggests that this variant is likely to be disruptive. In summary, the available evidence is currently insufficient to determine the role of this variant in disease. Therefore, it has been classified as a Variant of Uncertain Significance.